The following is an entry in ClinVar:

ClinVar aggregate classification (germline): Uncertain significance (1 of 4 stars; one submission).

Allele frequency attached by ClinVar (database versions not stated): TOPMed 0.00002.
gnomAD v4.1: 6 of 1,613,990 alleles (0.00037%); highest among the groups gnomAD compares: Admixed American, 0.0017%; no homozygotes.

Submission:

Labcorp Genetics (formerly Invitae), Labcorp
Classification: Uncertain significance. Last evaluated: 2025-11-23. Review status: criteria provided, single submitter. Criteria: Invitae Variant Classification Sherloc (09022015). Collection method: clinical testing. Allele origin: germline.
Comment: This sequence change replaces methionine, which is neutral and non-polar, with leucine, which is neutral and non-polar, at codon 576 of the SLC7A14 protein (p.Met576Leu). This variant is present in population databases (no rsID available, gnomAD 0.003%). This variant has not been reported in the literature in individuals affected with SLC7A14-related conditions. ClinVar contains an entry for this variant (Variation ID: 967581). An algorithm developed to predict the effect of missense changes on protein structure and function (PolyPhen-2) suggests that this variant is likely to be tolerated. In summary, the available evidence is currently insufficient to determine the role of this variant in disease. Therefore, it has been classified as a Variant of Uncertain Significance.

NM_020949.3(SLC7A14):c.1726A>T (p.Met576Leu)

Genes: SLC7A14 (solute carrier family 7 member 14; minus strand), SLC7A14-AS1 (SLC7A14 antisense RNA 1; plus strand). Cytogenetic location: 3q26.2.
Variant type: single nucleotide variant.
Coding change: c.1726A>T on transcript NM_020949.3 (MANE Select); coding-DNA position 1726, A replaced by T.
Protein change: p.Met576Leu; replaces methionine 576 with leucine.
Molecular consequence: missense variant.
Genome position (GRCh38, 1-based): chr3:170,480,556, T>A on the plus strand (A>T on the coding strand, the complement: SLC7A14 is on the minus strand). VCF-style: chr3-170480556-T-A. GRCh37 (hg19) VCF-style: chr3-170198345-T-A.
Other names: short protein forms M576L.
Identifiers: ClinVar variation 967581 (VCV000967581.9), dbSNP rs1325093698, ClinGen allele CA355489476.